The following is an entry in ClinVar:

ClinVar aggregate classification (germline): Likely benign. Review status: criteria provided, multiple submitters, no conflicts (2 of 4 stars). 2 submissions from 2 submitters: Likely benign (2). Last evaluated 2024-06-01.

Conditions:
Neuropathy, hereditary sensory, type 2C. Also called: Hereditary sensory and autonomic neuropathy type IIC; KIF1A-Related HSAN2 (HSAN2C). Identifiers: Orphanet 970, MedGen C3280168, MONDO:0013634, OMIM 614213.
Intellectual disability, autosomal dominant 9 (NESCAVS). Also called: NESCAV SYNDROME; KIF1A-Related Neurodevelopmental Disorder. Identifiers: Orphanet 662367, MedGen C5393830, MONDO:0013656, OMIM 614255.
Hereditary spastic paraplegia 30. Identifiers: Orphanet 101010, MedGen C5235139, MONDO:0012476.

Allele frequency attached by ClinVar (database versions not stated): TOPMed below 0.00001; gnomAD 0.00001; ExAC 0.00002.
gnomAD v4.1: 8 of 1,613,186 alleles (0.0005%); highest among the groups gnomAD compares: Admixed American, 0.0017%; no homozygotes.

Submissions (2):

CeGaT Center for Human Genetics Tuebingen
Classification: Likely benign. Last evaluated: 2024-06-01. Review status: criteria provided, single submitter. Criteria: CeGaT Center For Human Genetics Tuebingen Variant Classification Criteria Version 2. Collection method: clinical testing. Allele origin: germline. Affected: yes. Observed: 1 variant allele.
Comment: KIF1A: BP4, BP7

Labcorp Genetics (formerly Invitae), Labcorp
Classification: Likely benign for Hereditary spastic paraplegia 30; Neuropathy, hereditary sensory, type 2C; Intellectual disability, autosomal dominant 9. Last evaluated: 2024-03-09. Review status: criteria provided, single submitter. Criteria: Invitae Variant Classification Sherloc (09022015). Collection method: clinical testing. Allele origin: germline.

NM_001244008.2(KIF1A):c.3906C>T (p.Arg1302=)

Gene: KIF1A (kinesin family member 1A; minus strand). Cytogenetic location: 2q37.3.
Variant type: single nucleotide variant.
Coding change: c.3906C>T on transcript NM_001244008.2 (MANE Select); coding-DNA position 3906, C replaced by T.
Protein change: p.Arg1302=; no amino-acid change (arginine 1302 retained).
Molecular consequence: synonymous variant.
Genome position (GRCh38, 1-based): chr2:240,737,164, G>A on the plus strand (C>T on the coding strand, the complement: KIF1A is on the minus strand). VCF-style: chr2-240737164-G-A. GRCh37 (hg19) VCF-style: chr2-241676581-G-A.
Other names: c.3630C>T, p.Arg1210= (NM_001320705.2, NM_001330289.2, NM_001379638.1); c.3705C>T, p.Arg1235= (NM_001330290.2, NM_001379634.1, NM_001379635.1 and 1 more transcripts); c.3981C>T, p.Arg1327= (NM_001379631.1); c.3855C>T, p.Arg1285= (NM_001379632.1); c.3879C>T, p.Arg1293= (NM_001379633.1, NM_001379642.1, NM_001379645.1); c.3717C>T, p.Arg1239= (NM_001379636.1); c.3678C>T, p.Arg1226= (NM_001379637.1, NM_001379648.1); c.3603C>T, p.Arg1201= (NM_001379639.1, NM_001379641.1, NM_001379649.1 and 5 more transcripts); and 1 more.
Identifiers: ClinVar variation 2416118 (VCV002416118.23), dbSNP rs774085794, ClinGen allele CA2207583.